The following is an entry in ClinVar:

NM_003482.4(KMT2D):c.3917G>A (p.Ser1306Asn)

Genes: KMT2D (lysine methyltransferase 2D; minus strand), LOC126861520 (CDK7 strongly-dependent group 2 enhancer GRCh37_chr12:49442744-49443943; plus strand). Cytogenetic location: 12q13.12.
Variant type: single nucleotide variant.
Coding change: c.3917G>A on transcript NM_003482.4 (MANE Select); coding-DNA position 3917, G replaced by A.
Protein change: p.Ser1306Asn; replaces serine 1306 with asparagine.
Molecular consequence: missense variant.
Genome position (GRCh38, 1-based): chr12:49,049,208, C>T on the plus strand (G>A on the coding strand, the complement: KMT2D is on the minus strand). VCF-style: chr12-49049208-C-T. GRCh37 (hg19) VCF-style: chr12-49442991-C-T.
Other names: short protein forms S1306N.
Identifiers: ClinVar variation 2577808 (VCV002577808.1), dbSNP rs2120632266, ClinGen allele CA384652086.
Genomic context (GRCh38, chr12:49,049,208, plus strand): 5'-CGTCCTCTACCACGTCCTCCATGGGCTCCTCCACGAGGCCGGCGTCTTCCTGGGAAACTG[C>T]TGCTGCGACCCTGAGTGAAAGAAGGGGACAATGACAGGAGCATGTCAAGGGCTAGTGTGT-3'
Protein context (NP_003473.3, residues 1296-1316): ARSRIKQGRS[Ser1306Asn]SFPGRRRPRG

ClinVar aggregate classification (germline): Uncertain significance (1 of 4 stars; one submission).

Allele frequency attached by ClinVar (database versions not stated): gnomAD exomes below 0.00001.
gnomAD v4.1: 1 of 1,600,356 alleles (0.000062%); highest among the groups gnomAD compares: African/African-American, 0.0013%; no homozygotes.

Submission:

GeneDx
Classification: Uncertain significance. Last evaluated: 2023-02-27. Review status: criteria provided, single submitter. Criteria: GeneDx Variant Classification Process June 2021. Collection method: clinical testing. Allele origin: germline. Affected: yes.
Comment: Not observed at significant frequency in large population cohorts (gnomAD); In silico analysis supports that this missense variant does not alter protein structure/function; Has not been previously published as pathogenic or benign to our knowledge